The following is an entry in ClinVar:

ClinVar aggregate classification (germline): Uncertain significance (1 of 4 stars; one submission).

Submission:

Labcorp Genetics (formerly Invitae), Labcorp
Classification: Uncertain significance. Last evaluated: 2022-08-16. Review status: criteria provided, single submitter. Criteria: Invitae Variant Classification Sherloc (09022015). Collection method: clinical testing. Allele origin: germline.
Comment: In summary, the available evidence is currently insufficient to determine the role of this variant in disease. Therefore, it has been classified as a Variant of Uncertain Significance. Algorithms developed to predict the effect of missense changes on protein structure and function output the following: SIFT: "Tolerated"; PolyPhen-2: "Benign"; Align-GVGD: "Class C0". The leucine amino acid residue is found in multiple mammalian species, which suggests that this missense change does not adversely affect protein function. This variant has not been reported in the literature in individuals affected with USH2A-related conditions. This variant is not present in population databases (gnomAD no frequency). This sequence change replaces valine, which is neutral and non-polar, with leucine, which is neutral and non-polar, at codon 5113 of the USH2A protein (p.Val5113Leu).

NM_206933.4(USH2A):c.15337G>T (p.Val5113Leu)

Gene: USH2A (usherin; minus strand). Cytogenetic location: 1q41.
Variant type: single nucleotide variant.
Coding change: c.15337G>T on transcript NM_206933.4 (MANE Select); coding-DNA position 15337, G replaced by T.
Protein change: p.Val5113Leu; replaces valine 5113 with leucine.
Molecular consequence: missense variant.
Genome position (GRCh38, 1-based): chr1:215,628,996, C>A on the plus strand (G>T on the coding strand, the complement: USH2A is on the minus strand). VCF-style: chr1-215628996-C-A. GRCh37 (hg19) VCF-style: chr1-215802338-C-A.
Other names: short protein forms V5113L.
Identifiers: ClinVar variation 2045398 (VCV002045398.4), dbSNP rs2464753060, ClinGen allele CA344821432.